The following is an entry in ClinVar:

ClinVar aggregate classification (germline): Pathogenic (1 of 4 stars; one submission).

Conditions:
GLI2-related disorder. Also called: GLI2-related disorders; GLI2-related condition.

Submission:

Women's Health and Genetics/Laboratory Corporation of America, LabCorp
Classification: Pathogenic for GLI2-Related Disorders. Last evaluated: 2024-09-23. Review status: criteria provided, single submitter. Criteria: LabCorp Variant Classification Summary - May 2015. Collection method: clinical testing. Allele origin: germline.
Comment: Variant summary: GLI2 c.3641dupA (p.Ile1216HisfsX76) results in a premature termination codon, predicted to cause a truncation of the encoded protein or absence of the protein due to nonsense mediated decay, which are commonly known mechanisms for disease. The variant was absent in 246330 control chromosomes. To our knowledge, no occurrence of c.3641dupA in individuals affected with GLI2-Related Disorders and no experimental evidence demonstrating its impact on protein function have been reported. However, a downstream nonsense variant has been reported as de novo genotype in an individual with clinical features of holoprosencephaly, corpus callosum dysgenesis, and microcephaly (PMID: 34958143), indicating that this variant is likely associated with disease. No submitters have cited clinical-significance assessments for this variant to ClinVar. Based on the evidence outlined above, the variant was classified as pathogenic.

NM_001374353.1(GLI2):c.3590dup (p.Ile1199fs)

Gene: GLI2 (GLI family zinc finger 2; plus strand). Cytogenetic location: 2q14.2.
Variant type: Duplication.
Coding change: c.3590dup on transcript NM_001374353.1 (MANE Select); coding-DNA position 3590, one base duplicated (A; older notation c.3590dupA).
Protein change: p.Ile1199fs; shifts the reading frame from isoleucine 1199.
Molecular consequence: frameshift variant.
Genome position (GRCh38, 1-based): chr2:120,989,555, A duplicated. VCF-style (leftmost placement, unchanged base first): chr2-120989554-C-CA. GRCh37 (hg19) VCF-style: chr2-121747130-C-CA.
Other names: c.3641dup, p.Ile1216fs (NM_001371271.1, NM_005270.5); c.3215dup, p.Ile1074fs (NM_001374354.1); c.3641dupA (NM_005270.5); short protein forms I1074fs, I1199fs, I1216fs.
Identifiers: ClinVar variation 3375304 (VCV003375304.1).